The following is an entry in ClinVar:

NM_003673.4(TCAP):c.145G>A (p.Glu49Lys)

Gene: TCAP (titin-cap; plus strand). Cytogenetic location: 17q12.
Variant type: single nucleotide variant.
Coding change: c.145G>A on transcript NM_003673.4 (MANE Select); coding-DNA position 145, G replaced by A.
Protein change: p.Glu49Lys; replaces glutamic acid 49 with lysine.
Molecular consequence: missense variant.
Genome position (GRCh38, 1-based): chr17:39,665,750, G>A. VCF-style: chr17-39665750-G-A. GRCh37 (hg19) VCF-style: chr17-37822003-G-A.
Other names: short protein forms E49K.
Identifiers: ClinVar variation 639581 (VCV000639581.10), dbSNP rs45513698, ClinGen allele CA8532863.

ClinVar aggregate classification (germline): Uncertain significance. Review status: criteria provided, multiple submitters, no conflicts (2 of 4 stars). 3 submissions from 3 submitters: Uncertain significance (3). Last evaluated 2026-01-07.

Conditions:
Cardiovascular phenotype. Identifiers: MedGen CN230736.
Primary familial hypertrophic cardiomyopathy (HCM). Identifiers: Orphanet 99739, MedGen C0949658, MeSH D024741, MONDO:0024573. Inheritance: Various modes of inheritance.
Hypertrophic cardiomyopathy 25 (CMH25). Also called: CARDIOMYOPATHY, FAMILIAL HYPERTROPHIC, 25. Identifiers: MedGen C4225408, MONDO:0011843, OMIM 607487.

Allele frequency attached by ClinVar (database versions not stated): TOPMed below 0.00001; gnomAD 0.00001; gnomAD exomes 0.00002 and 0.00004; ExAC 0.00010.
gnomAD v4.1: 22 of 1,610,854 alleles (0.0014%); highest among the groups gnomAD compares: East Asian, 0.047%; no homozygotes.

Submissions (3):

Ambry Genetics
Classification: Uncertain significance for Cardiovascular phenotype. Last evaluated: 2026-01-07. Review status: criteria provided, single submitter. Criteria: Ambry Variant Classification Scheme 2023. Collection method: clinical testing. Allele origin: germline.
Comment: The p.E49K variant (also known as c.145G>A), located in coding exon 2 of the TCAP gene, results from a G to A substitution at nucleotide position 145. The glutamic acid at codon 49 is replaced by lysine, an amino acid with similar properties. This amino acid position is highly conserved in available vertebrate species. In addition, this alteration is predicted to be deleterious by in silico analysis. Based on the available evidence, the clinical significance of this variant remains unclear.

Labcorp Genetics (formerly Invitae), Labcorp
Classification: Uncertain significance for Hypertrophic cardiomyopathy 25; Primary familial hypertrophic cardiomyopathy. Last evaluated: 2025-12-20. Review status: criteria provided, single submitter. Criteria: Invitae Variant Classification Sherloc (09022015). Collection method: clinical testing. Allele origin: germline.
Comment: This sequence change replaces glutamic acid, which is acidic and polar, with lysine, which is basic and polar, at codon 49 of the TCAP protein (p.Glu49Lys). This variant is present in population databases (rs45513698, gnomAD 0.05%). This missense change has been observed in individual(s) with arrhythmogenic right ventricular cardiomyopathy, Brugada syndome, and/or dilated cardiomyopathy (PMID: 19412328, 32588437). ClinVar contains an entry for this variant (Variation ID: 639581). An algorithm developed to predict the effect of missense changes on protein structure and function (PolyPhen-2) suggests that this variant is likely to be disruptive. Experimental studies have shown that this missense change affects TCAP function (PMID: 32588437). In summary, the available evidence is currently insufficient to determine the role of this variant in disease. Therefore, it has been classified as a Variant of Uncertain Significance.

GeneDx
Classification: Uncertain significance. Last evaluated: 2024-07-03. Review status: criteria provided, single submitter. Criteria: GeneDx Variant Classification Process June 2021. Collection method: clinical testing. Allele origin: germline. Affected: yes.
Comment: Identified in a patient with idiopathic dilated cardiomyopathy in published literature (PMID: 19412328); Identified in one patient with Brugada syndrome and aborted SCD and one patient with ARVC and aborted SCD in published literature; the patient with ARVC also harbored a variant in DSG2 (PMID: 32588437); A published functional study suggests the p.(E49K) variant results in significantly reduced peak sodium currents compared to wildtype (PMID: 32588437); In silico analysis supports that this missense variant has a deleterious effect on protein structure/function; This variant is associated with the following publications: (PMID: 32588437, 19412328)

Literature cited by the submitters: PubMed 32588437 (cited by Ambry Genetics and Labcorp Genetics (formerly Invitae), Labcorp); PubMed 19412328 (cited by Labcorp Genetics (formerly Invitae), Labcorp).